The following is an entry in ClinVar:

NM_001114753.1(ENG):c.68delG

Gene: ENG (endoglin; minus strand). Cytogenetic location: 9q34.11.
Variant type: Deletion.
Coding change: c.68delG on transcript NM_001114753.1; coding-DNA position 68, one base deleted (G).
Genome position (GRCh38, 1-based): chr9:127,843,245, C deleted on the plus strand (G on the coding strand, the reverse complement: ENG is on the minus strand); the first of 2 consecutive C bases (chr9:127,843,245-127,843,246); deleting either gives the same sequence. VCF-style (leftmost placement, unchanged base first): chr9-127843244-AC-A. GRCh37 (hg19) VCF-style: chr9-130605523-AC-A.
Identifiers: ClinVar variation 4614091 (VCV004614091.1).

ClinVar aggregate classification (germline): Pathogenic (1 of 4 stars; one submission).

Conditions:
Cardiovascular phenotype. Identifiers: MedGen CN230736.

Submission:

Ambry Genetics
Classification: Pathogenic for Cardiovascular phenotype. Last evaluated: 2025-09-26. Review status: criteria provided, single submitter. Criteria: Ambry Variant Classification Scheme 2023. Collection method: clinical testing. Allele origin: germline.
Comment: The c.68delG pathogenic mutation, located in coding exon 2 of the ENG gene, results from a deletion of one nucleotide at nucleotide position 68, causing a translational frameshift with a predicted alternate stop codon (p.S23Ifs*20). This variant was reported in individual(s) with features consistent with hereditary hemorrhagic telangiectasia (Ambry internal data). This variant is considered to be rare based on population cohorts in the Genome Aggregation Database (gnomAD). This alteration is expected to result in loss of function by premature protein truncation or nonsense-mediated mRNA decay. As such, this alteration is interpreted as a disease-causing mutation.